The following is an entry in ClinVar:

NM_022124.6(CDH23):c.5125del (p.Thr1708_Leu1709insTer)

Gene: CDH23 (cadherin related 23; plus strand). Cytogenetic location: 10q22.1.
Variant type: Deletion.
Coding change: c.5125del on transcript NM_022124.6 (MANE Select); coding-DNA position 5125, one base deleted (C; older notation c.5125delC).
Protein change: p.Thr1708_Leu1709insTer.
Molecular consequence: nonsense.
Genome position (GRCh38, 1-based): chr10:71,778,246, C deleted; the last of 3 consecutive C bases (chr10:71,778,244-71,778,246); deleting any one gives the same sequence. VCF-style (leftmost placement, unchanged base first): chr10-71778243-AC-A. GRCh37 (hg19) VCF-style: chr10-73538000-AC-A.
Identifiers: ClinVar variation 1457546 (VCV001457546.7), dbSNP rs2132927249, ClinGen allele CA2573145369.

ClinVar aggregate classification (germline): Pathogenic/Likely pathogenic. Review status: criteria provided, multiple submitters, no conflicts (2 of 4 stars). 2 submissions from 2 submitters: Pathogenic (1); Likely pathogenic (1). Last evaluated 2023-11-17.

Conditions:
Pituitary adenoma 5, multiple types. Identifiers: MedGen C4539685, MONDO:0054601, OMIM 617540.

Submissions (2):

Labcorp Genetics (formerly Invitae), Labcorp
Classification: Pathogenic. Last evaluated: 2023-11-17. Review status: criteria provided, single submitter. Criteria: Invitae Variant Classification Sherloc (09022015). Collection method: clinical testing. Allele origin: germline.
Comment: This sequence change creates a premature translational stop signal (p.Leu1709*) in the CDH23 gene. It is expected to result in an absent or disrupted protein product. Loss-of-function variants in CDH23 are known to be pathogenic (PMID: 11138009, 21940737). This variant is not present in population databases (gnomAD no frequency). This variant has not been reported in the literature in individuals affected with CDH23-related conditions. ClinVar contains an entry for this variant (Variation ID: 1457546). For these reasons, this variant has been classified as Pathogenic.

Baylor Genetics
Classification: Likely pathogenic for Pituitary adenoma 5, multiple types. Last evaluated: 2023-07-04. Review status: criteria provided, single submitter. Criteria: ACMG Guidelines, 2015. Collection method: clinical testing. Allele origin: unknown.

Literature cited by the submitters: PubMed 11138009 (cited by Labcorp Genetics (formerly Invitae), Labcorp); PubMed 21940737 (cited by Labcorp Genetics (formerly Invitae), Labcorp).